The following is an entry in ClinVar:

NM_007294.4(BRCA1):c.4306_4308delinsGAC (p.Ser1436Asp)

Gene: BRCA1 (BRCA1 DNA repair associated; minus strand). Cytogenetic location: 17q21.31.
Variant type: Indel.
Coding change: c.4306_4308delinsGAC on transcript NM_007294.4 (MANE Select); coding-DNA positions 4306 to 4308, TCT replaced by GAC.
Protein change: p.Ser1436Asp; replaces serine 1436 with aspartic acid.
Molecular consequence: missense variant.
Genome position (GRCh38, 1-based): chr17:43,082,453-43,082,455, AGA replaced by GTC on the plus strand (TCT replaced by GAC on the coding strand, the reverse complement: BRCA1 is on the minus strand). VCF-style: chr17-43082453-AGA-GTC. GRCh37 (hg19) VCF-style: chr17-41234470-AGA-GTC.
Other names: c.994_996delinsGAC, p.Ser332Asp (NM_001408396.1, NM_001408397.1, NM_001408398.1 and 18 more transcripts); c.991_993delinsGAC, p.Ser331Asp (NM_001408400.1, NM_001408401.1, NM_001408402.1 and 1 more transcripts); c.988_990delinsGAC, p.Ser330Asp (NM_001408406.1, NM_001408408.1); c.919_921delinsGAC, p.Ser307Asp (NM_001408415.1, NM_001408409.1, NM_001408411.1 and 2 more transcripts); c.916_918delinsGAC, p.Ser306Asp (NM_001408416.1, NM_001408413.1); c.880_882delinsGAC, p.Ser294Asp (NM_001408418.1, NM_001408419.1, NM_001408420.1 and 2 more transcripts); c.877_879delinsGAC, p.Ser293Asp (NM_001408421.1, NM_001408424.1, NM_001408431.1); c.874_876delinsGAC, p.Ser292Asp (NM_001408425.1, NM_001408436.1, NM_001408437.1 and 8 more transcripts); and 51 more; short protein forms S245D, S252D, S253D, S262D, S263D, S265D, S266D, S284D.
Identifiers: ClinVar variation 4867707 (VCV004867707.1).

ClinVar aggregate classification (germline): Uncertain significance (1 of 4 stars; one submission).

Conditions:
Hereditary cancer-predisposing syndrome. Also called: Neoplastic Syndromes, Hereditary; Tumor predisposition; Hereditary Cancer Syndrome; Hereditary neoplastic syndrome. Identifiers: Orphanet 140162, MedGen C0027672, MeSH D009386, MONDO:0015356.

Submission:

Ambry Genetics
Classification: Uncertain significance for Hereditary cancer-predisposing syndrome. Last evaluated: 2026-04-06. Review status: criteria provided, single submitter. Criteria: Ambry Variant Classification Scheme 2023. Collection method: clinical testing. Allele origin: germline.
Comment: The c.4306_4308delTCTinsGAC variant, (also known as p.S1436D), located in coding exon 11 of the BRCA1 gene, results from an in-frame deletion of TCT and insertion of GAC at nucleotide positions 4306 to 4308. This results in the substitution of the serine residue for an aspartic acid residue at codon 1436, an amino acid with similar properties. This amino acid position is not well conserved in available vertebrate species. In addition, this variant is predicted to be neutral by in silico analysis (Choi Y et al. PLoS ONE. 2012; 7(10):e46688). Based on the available evidence, the clinical significance of this variant remains unclear.